The following is an entry in ClinVar:

NM_000274.4(OAT):c.771+2T>C

Genes: OAT (ornithine aminotransferase; minus strand), LOC121815974 (Sharpr-MPRA regulatory region 15365; plus strand). Cytogenetic location: 10q26.13.
Variant type: single nucleotide variant.
Coding change: c.771+2T>C on transcript NM_000274.4 (MANE Select); the canonical splice donor site of the intron after coding-DNA position 771, T replaced by C.
Molecular consequence: splice donor variant.
Genome position (GRCh38, 1-based): chr10:124,403,796, A>G on the plus strand (T>C on the coding strand, the complement: OAT is on the minus strand). VCF-style: chr10-124403796-A-G. GRCh37 (hg19) VCF-style: chr10-126092365-A-G.
Other names: c.771+2T>C (NM_001322965.2, NM_001322969.2, NM_001322966.2 and 3 more transcripts); c.357+2T>C (NM_001171814.2); c.171+2T>C (NM_001322974.2); c.450+2T>C (NM_001322971.2).
Identifiers: ClinVar variation 2785477 (VCV002785477.3), dbSNP rs2494464646, ClinGen allele CA378635686.

ClinVar aggregate classification (germline): Likely pathogenic (1 of 4 stars; one submission).

Conditions:
Ornithine aminotransferase deficiency (GACR). Also called: HYPERORNITHINEMIA WITH GYRATE ATROPHY OF CHOROID AND RETINA; OAT DEFICIENCY; Ornithine ketoacid aminotransferase deficiency; Gyrate atrophy; Gyrate atrophy of choroid and retina; Girate atrophy of the retina. Identifiers: Orphanet 414, MedGen C0018425, MONDO:0009796, OMIM 258870.

Submission:

Labcorp Genetics (formerly Invitae), Labcorp
Classification: Likely pathogenic for Ornithine aminotransferase deficiency. Last evaluated: 2023-12-01. Review status: criteria provided, single submitter. Criteria: Invitae Variant Classification Sherloc (09022015). Collection method: clinical testing. Allele origin: germline.
Comment: This sequence change affects a donor splice site in intron 6 of the OAT gene. It is expected to disrupt RNA splicing. Variants that disrupt the donor or acceptor splice site typically lead to a loss of protein function (PMID: 16199547), and loss-of-function variants in OAT are known to be pathogenic (PMID: 1737786, 23076989). This variant is not present in population databases (gnomAD no frequency). This variant has not been reported in the literature in individuals affected with OAT-related conditions. Algorithms developed to predict the effect of sequence changes on RNA splicing suggest that this variant may disrupt the consensus splice site. In summary, the currently available evidence indicates that the variant is pathogenic, but additional data are needed to prove that conclusively. Therefore, this variant has been classified as Likely Pathogenic.

Literature cited by the submitters: PubMed 16199547; PubMed 1737786; PubMed 23076989.